The following is an entry in ClinVar:

ClinVar aggregate classification (germline): Likely pathogenic (1 of 4 stars; one submission).

Submission:

GeneDx
Classification: Likely pathogenic. Last evaluated: 2024-06-27. Review status: criteria provided, single submitter. Criteria: GeneDx Variant Classification Process June 2021. Collection method: clinical testing. Allele origin: germline. Affected: yes.
Comment: Canonical splice site variant predicted to result in an in-frame loss of the adjacent exon in a gene for which loss of function is a known mechanism of disease; Not observed at significant frequency in large population cohorts (gnomAD); Has not been previously published as pathogenic or benign to our knowledge

NM_003001.5(SDHC):c.406-1G>T

Gene: SDHC (succinate dehydrogenase complex subunit C; plus strand). Cytogenetic location: 1q23.3.
Variant type: single nucleotide variant.
Coding change: c.406-1G>T on transcript NM_003001.5 (MANE Select); the canonical splice acceptor site of the intron before coding-DNA position 406, G replaced by T.
Molecular consequence: splice acceptor variant.
Genome position (GRCh38, 1-based): chr1:161,362,328, G>T. VCF-style: chr1-161362328-G-T. GRCh37 (hg19) VCF-style: chr1-161332118-G-T.
Other names: c.295-1G>T (NM_001407119.1, NM_001407120.1); c.526-1G>T (NM_001407115.1); c.242-1G>T (NM_001035511.3); c.304-1G>T (NM_001035512.3); c.140-1G>T (NM_001278172.3); c.298-1G>T (NM_001407118.1); c.349-1G>T (NM_001407116.1); c.185-1G>T (NM_001407121.1); and 2 more.
Identifiers: ClinVar variation 3392588 (VCV003392588.1).